The following is an entry in ClinVar:

NM_017780.4(CHD7):c.3201+1G>A

Gene: CHD7 (chromodomain helicase DNA binding protein 7; plus strand). Cytogenetic location: 8q12.2.
Variant type: single nucleotide variant.
Coding change: c.3201+1G>A on transcript NM_017780.4 (MANE Select); the canonical splice donor site of the intron after coding-DNA position 3201, G replaced by A.
Molecular consequence: splice donor variant. On other transcripts: intron variant (1).
Genome position (GRCh38, 1-based): chr8:60,822,747, G>A. VCF-style: chr8-60822747-G-A. GRCh37 (hg19) VCF-style: chr8-61735306-G-A.
Other names: c.1717-39482G>A (NM_001316690.1).
Identifiers: ClinVar variation 937560 (VCV000937560.1), dbSNP rs1804103264, ClinGen allele CA371310562.

ClinVar aggregate classification (germline): Likely pathogenic (1 of 4 stars; one submission).

Conditions:
CHARGE syndrome (CHARGE). Also called: Hittner Hirsch Kreh syndrome; Coloboma, heart anomaly, choanal atresia, retardation, genital and ear anomalies; CHARGE association; Hall-Hittner syndrome; CHARGE ASSOCIATION--COLOBOMA, HEART ANOMALY, CHOANAL ATRESIA, RETARDATION, GENITAL AND EAR ANOMALIES. Identifiers: Orphanet 138, MedGen C0265354, MONDO:0008965.

Submission:

Labcorp Genetics (formerly Invitae), Labcorp
Classification: Likely pathogenic for CHARGE association. Last evaluated: 2019-08-19. Review status: criteria provided, single submitter. Criteria: Invitae Variant Classification Sherloc (09022015). Collection method: clinical testing. Allele origin: germline.
Comment: This sequence change affects a donor splice site in intron 12 of the CHD7 gene. It is expected to disrupt RNA splicing and likely results in an absent or disrupted protein product. This variant is not present in population databases (ExAC no frequency). Algorithms developed to predict the effect of sequence changes on RNA splicing suggest that this variant may disrupt the consensus splice site, but this prediction has not been confirmed by published transcriptional studies. Donor and acceptor splice site variants typically lead to a loss of protein function (PMID: 16199547), and loss-of-function variants in CHD7 are known to be pathogenic (PMID: 22461308, 25077900). In summary, the currently available evidence indicates that the variant is pathogenic, but additional data are needed to prove that conclusively. Therefore, this variant has been classified as Likely Pathogenic.

Literature cited by the submitters: PubMed 22461308; PubMed 25077900.